The following is an entry in ClinVar:

ClinVar aggregate classification (germline): Uncertain significance (1 of 4 stars; one submission).

Conditions:
Hereditary cancer-predisposing syndrome. Also called: Tumor predisposition; Hereditary neoplastic syndrome; Hereditary Cancer Syndrome; Neoplastic Syndromes, Hereditary. Identifiers: Orphanet 140162, MedGen C0027672, MeSH D009386, MONDO:0015356.

Allele frequency attached by ClinVar (database versions not stated): TOPMed below 0.00001.

Submission:

Ambry Genetics
Classification: Uncertain significance for Hereditary cancer-predisposing syndrome. Last evaluated: 2023-10-29. Review status: criteria provided, single submitter. Criteria: Ambry Variant Classification Scheme 2023. Collection method: clinical testing. Allele origin: germline.
Comment: The p.G356R variant (also known as c.1066G>A), located in coding exon 7 of the CTNNA1 gene, results from a G to A substitution at nucleotide position 1066. The glycine at codon 356 is replaced by arginine, an amino acid with dissimilar properties. This amino acid position is conserved. In addition, the in silico prediction for this alteration is inconclusive. The evidence for this gene-disease relationship is limited; therefore, the clinical significance of this alteration is unclear.

NM_001903.5(CTNNA1):c.1066G>A (p.Gly356Arg)

Gene: CTNNA1 (catenin alpha 1; plus strand). Cytogenetic location: 5q31.2.
Variant type: single nucleotide variant.
Coding change: c.1066G>A on transcript NM_001903.5 (MANE Select); coding-DNA position 1066, G replaced by A.
Protein change: p.Gly356Arg; replaces glycine 356 with arginine.
Molecular consequence: missense variant. On other transcripts: 5 prime UTR variant (26), intron variant (2).
Genome position (GRCh38, 1-based): chr5:138,886,215, G>A. VCF-style: chr5-138886215-G-A. GRCh37 (hg19) VCF-style: chr5-138221904-G-A.
Other names: c.1066G>A, p.Gly356Arg (NM_001290307.3, NM_001323982.2, NM_001323983.1 and 3 more transcripts); c.757G>A, p.Gly253Arg (NM_001290309.3); c.697G>A, p.Gly233Arg (NM_001290310.3); c.-45G>A (NM_001290312.1, NM_001323987.1, NM_001323988.1 and 18 more transcripts); c.-442G>A (NM_001324006.1, NM_001324007.1, NM_001324008.1 and 1 more transcripts); c.-317G>A (NM_001324013.1); c.-58+10618G>A (NM_001324012.1); c.-61+10618G>A (NM_001324010.1); short protein forms G233R, G253R, G356R.
Identifiers: ClinVar variation 3221867 (VCV003221867.1), dbSNP rs1344832755, ClinGen allele CA361132454.